The following is an entry in ClinVar:

ClinVar aggregate classification (germline): Conflicting classifications of pathogenicity. Review status: criteria provided, conflicting classifications (1 of 4 stars). 3 submissions from 3 submitters: Uncertain significance (1); Likely benign (2). Last evaluated 2025-04-11.

Conditions:
Familial thoracic aortic aneurysm and aortic dissection (TAAD). Also called: Thoracic aortic aneurysms and dissections. Identifiers: Orphanet 91387, MedGen C4707243, MONDO:0019625.
Marfan syndrome (MFS). Also called: Marfan syndrome type 1; Marfan's syndrome; Marfan syndrome, classic; MARFAN SYNDROME, TYPE I; FBN1-Related Marfan Syndrome. Identifiers: Orphanet 284963, Orphanet 558, MedGen C0024796, MONDO:0007947, OMIM 154700.

Allele frequency attached by ClinVar (database versions not stated): ExAC 0.00001; gnomAD exomes below 0.00001.
gnomAD v4.1: 1 of 1,614,040 alleles (0.000062%); no homozygotes.

Submissions (3):

Labcorp Genetics (formerly Invitae), Labcorp
Classification: Likely benign for Marfan syndrome; Familial thoracic aortic aneurysm and aortic dissection. Last evaluated: 2025-04-11. Review status: criteria provided, single submitter. Criteria: Invitae Variant Classification Sherloc (09022015). Collection method: clinical testing. Allele origin: germline.

GeneDx
Classification: Uncertain significance. Last evaluated: 2020-08-17. Review status: criteria provided, single submitter. Criteria: GeneDx Variant Classification Process June 2021. Collection method: clinical testing. Allele origin: germline. Affected: yes.
Comment: Has not been previously published as pathogenic or benign to our knowledge; Not observed at a significant frequency in large population cohorts (Lek et al., 2016); In-silico analysis, which includes splice predictors and evolutionary conservation, is inconclusive as to whether the variant alters gene splicing. In the absence of RNA/functional studies, the actual effect of this sequence change is unknown.

Ambry Genetics
Classification: Likely benign for Familial thoracic aortic aneurysm and aortic dissection. Last evaluated: 2020-05-12. Review status: criteria provided, single submitter. Criteria: Ambry Variant Classification Scheme 2023. Collection method: clinical testing. Allele origin: germline.

NM_000138.5(FBN1):c.2493A>G (p.Glu831=)

Gene: FBN1 (fibrillin 1; minus strand). Cytogenetic location: 15q21.1.
Variant type: single nucleotide variant.
Coding change: c.2493A>G on transcript NM_000138.5 (MANE Select); coding-DNA position 2493, A replaced by G.
Protein change: p.Glu831=; no amino-acid change (glutamic acid 831 retained).
Molecular consequence: synonymous variant.
Genome position (GRCh38, 1-based): chr15:48,495,515, T>C on the plus strand (A>G on the coding strand, the complement: FBN1 is on the minus strand). VCF-style: chr15-48495515-T-C. GRCh37 (hg19) VCF-style: chr15-48787712-T-C.
Identifiers: ClinVar variation 1085163 (VCV001085163.12), dbSNP rs756410019, ClinGen allele CA047829.
Genomic context (GRCh38, chr15:48,495,515, plus strand): 5'-AGAAAGATAAATACCTATGCAGATGGTTTTTGTTGGATCCAAAGTACTTTCAGAAGAACA[T>C]TCACAAATAAAAGAGCCTGGGCTGTTCTTGCAGACTCCATTAATGCAAGGACTTGATTCG-3'
Protein context (NP_000129.3, residues 821-841): CKNSPGSFIC[Glu831=]CSSESTLDPT